The following is an entry in ClinVar:

ClinVar aggregate classification (germline): Uncertain significance (1 of 4 stars; one submission).

Conditions:
Deficiency of alpha-mannosidase (MANSA). Also called: Mannosidosis, alpha-, types I and II; Alpha-Mannosidosis; LYSOSOMAL ALPHA-D-MANNOSIDASE DEFICIENCY. Identifiers: Orphanet 61, MedGen C0024748, MONDO:0009561, OMIM 248500.

gnomAD v4.1: 1 of 1,549,366 alleles (0.000065%); highest among the groups gnomAD compares: Non-Finnish European, 0.000087%; no homozygotes.

Submission:

Labcorp Genetics (formerly Invitae), Labcorp
Classification: Uncertain significance for Deficiency of alpha-mannosidase. Last evaluated: 2022-05-04. Review status: criteria provided, single submitter. Criteria: Invitae Variant Classification Sherloc (09022015). Collection method: clinical testing. Allele origin: germline.
Comment: This sequence change replaces glycine, which is neutral and non-polar, with valine, which is neutral and non-polar, at codon 2 of the MAN2B1 protein (p.Gly2Val). This variant is not present in population databases (gnomAD no frequency). This variant has not been reported in the literature in individuals affected with MAN2B1-related conditions. Algorithms developed to predict the effect of missense changes on protein structure and function output the following: SIFT: "Tolerated"; PolyPhen-2: "Benign"; Align-GVGD: "Class C0". The valine amino acid residue is found in multiple mammalian species, which suggests that this missense change does not adversely affect protein function. In summary, the available evidence is currently insufficient to determine the role of this variant in disease. Therefore, it has been classified as a Variant of Uncertain Significance.

NM_000528.4(MAN2B1):c.5G>T (p.Gly2Val)

Genes: MAN2B1 (mannosidase alpha class 2B member 1; minus strand), LOC130063650 (ATAC-STARR-seq lymphoblastoid silent region 10156; plus strand). Cytogenetic location: 19p13.13.
Variant type: single nucleotide variant.
Coding change: c.5G>T on transcript NM_000528.4 (MANE Select); coding-DNA position 5, G replaced by T.
Protein change: p.Gly2Val; replaces glycine 2 with valine.
Molecular consequence: missense variant.
Genome position (GRCh38, 1-based): chr19:12,666,697, C>A on the plus strand (G>T on the coding strand, the complement: MAN2B1 is on the minus strand). VCF-style: chr19-12666697-C-A. GRCh37 (hg19) VCF-style: chr19-12777511-C-A.
Other names: c.5G>T, p.Gly2Val (NM_001173498.2); short protein forms G2V.
Identifiers: ClinVar variation 1932246 (VCV001932246.2), dbSNP rs1195139364, ClinGen allele CA404261246.